The following is an entry in ClinVar:

ClinVar aggregate classification (germline): Pathogenic. Review status: criteria provided, multiple submitters, no conflicts (2 of 4 stars). 5 submissions from 5 submitters: Pathogenic (4). 1 of the submissions does not count toward it. Last evaluated 2025-08-04.

Conditions:
Usher syndrome. Also called: Usher Syndromes; Usher's syndrome. Identifiers: Orphanet 886, MedGen CN469326, MeSH D052245, MONDO:0019501. Disease mechanism: loss of function.
DFNB31-related disorder. Also called: DFNB31-related disorders.
Autosomal recessive nonsyndromic hearing loss 31. Also called: WHIRLER, MOUSE, HOMOLOG OF. Identifiers: Orphanet 90636, MedGen C1846839, MONDO:0011767, OMIM 607084.
Usher syndrome type 2D. Also called: USHER SYNDROME, TYPE IID. Identifiers: Orphanet 231178, Orphanet 886, MedGen C1568249, MONDO:0012662, OMIM 611383.

Allele frequency attached by ClinVar (database versions not stated): gnomAD exomes below 0.00001; ExAC 0.00001; TOPMed 0.00006.

Submissions (5):

Labcorp Genetics (formerly Invitae), Labcorp
Classification: Pathogenic. Last evaluated: 2025-08-04. Review status: criteria provided, single submitter. Criteria: Invitae Variant Classification Sherloc (09022015). Collection method: clinical testing. Allele origin: germline.
Comment: This sequence change creates a premature translational stop signal (p.Arg778*) in the WHRN gene. It is expected to result in an absent or disrupted protein product. Loss-of-function variants in WHRN are known to be pathogenic (PMID: 12833159, 15841483, 22147658). The frequency data for this variant in the population databases is considered unreliable, as metrics indicate poor data quality at this position in the gnomAD database. This premature translational stop signal has been observed in individual(s) with non-syndromic deafness (PMID: 12833159). ClinVar contains an entry for this variant (Variation ID: 2689). For these reasons, this variant has been classified as Pathogenic.

Women's Health and Genetics/Laboratory Corporation of America, LabCorp
Classification: Pathogenic for Usher syndrome. Last evaluated: 2023-03-14. Review status: criteria provided, single submitter. Criteria: LabCorp Variant Classification Summary - May 2015. Collection method: clinical testing. Allele origin: germline.
Comment: Variant summary: WHRN c.2332C>T (p.Arg778X) results in a premature termination codon, predicted to cause a truncation of the encoded protein or absence of the protein. The variant allele was found at a frequency of 4e-06 in 250230 control chromosomes (gnomAD). c.2332C>T has been reported in the literature in multiple individuals affected with deafness and the variant segregated with the disease (example: Mburu_2003). These data indicate that the variant is very likely to be associated with disease. One clinical diagnostic laboratory has submitted clinical-significance assessments for this variant to ClinVar after 2014 and classified the variant as pathogenic. Based on the evidence outlined above, the variant was classified as pathogenic.

Blueprint Genetics
Classification: Pathogenic for DFNB31-related disorders. Last evaluated: 2022-02-09. Review status: criteria provided, single submitter. Criteria: ACMG Guidelines, 2015. Collection method: clinical testing. Allele origin: germline. Affected: yes. Observed: 5 variant alleles.

Juno Genomics, Hangzhou Juno Genomics, Inc
Classification: Pathogenic for Autosomal recessive nonsyndromic hearing loss 31; Usher syndrome type 2D. Review status: criteria provided, single submitter. Criteria: ACMG Guidelines, 2015. Collection method: clinical testing. Allele origin: germline. Affected: yes.
Comment: Absent from controls (or at extremely low frequency if recessive) in Genome Aggregation Database, Exome Sequencing Project, 1000 Genomes Project, or Exome Aggregation Consortium.;Null variant in a gene where loss of function (LOF) is a known mechanism of disease.;For recessive disorders, detected in trans with a pathogenic variant.;Co-segregation with disease in multiple affected family members in a gene definitively known to cause the disease.

OMIM
Classification: Pathogenic for DEAFNESS, AUTOSOMAL RECESSIVE 31. Last evaluated: 2003-08-01. Review status: no assertion criteria provided. Collection method: literature only. Allele origin: germline. Not counted in ClinVar's aggregate classification.

Literature cited by the submitters: PubMed 12833159 (cited by 3 submitters); PubMed 15841483 (cited by Labcorp Genetics (formerly Invitae), Labcorp); PubMed 22147658 (cited by Labcorp Genetics (formerly Invitae), Labcorp); PubMed 11973626 (cited by OMIM).

NM_015404.4(WHRN):c.2332C>T (p.Arg778Ter)

Gene: WHRN (whirlin; minus strand). Cytogenetic location: 9q32.
Variant type: single nucleotide variant.
Coding change: c.2332C>T on transcript NM_015404.4 (MANE Select); coding-DNA position 2332, C replaced by T.
Protein change: p.Arg778Ter; replaces arginine 778 with a stop codon.
Molecular consequence: nonsense.
Genome position (GRCh38, 1-based): chr9:114,403,982, G>A on the plus strand (C>T on the coding strand, the complement: WHRN is on the minus strand). VCF-style: chr9-114403982-G-A. GRCh37 (hg19) VCF-style: chr9-117166262-G-A.
Other names: c.2332C>T (NM_015404.3); c.1183C>T, p.Arg395Ter (NM_001083885.3); c.2329C>T, p.Arg777Ter (NM_001173425.2); c.1279C>T, p.Arg427Ter (NM_001346890.1); short protein forms R778*, R395*, R427*, R777*.
Identifiers: ClinVar variation 2689 (VCV000002689.10), dbSNP rs137852839, ClinGen allele CA252404.
Genomic context (GRCh38, chr9:114,403,982, plus strand): 5'-TCTCGTTCCGAGGCAGCTCCTTGCTACTCCTGCTCTTGGTGGACACCGACTGCCTTCCTC[G>A]GCCTGGGGCGCTGGCCTCTGCCTCGCCAGCATCCACACCACTGTCCTCGCTTAGAGTCTG-3'